The following is an entry in ClinVar:

NM_001261826.3(AP3D1):c.307C>T (p.His103Tyr)

Gene: AP3D1 (adaptor related protein complex 3 subunit delta 1; minus strand). Cytogenetic location: 19p13.3.
Variant type: single nucleotide variant.
Coding change: c.307C>T on transcript NM_001261826.3 (MANE Select); coding-DNA position 307, C replaced by T.
Protein change: p.His103Tyr; replaces histidine 103 with tyrosine.
Molecular consequence: missense variant.
Genome position (GRCh38, 1-based): chr19:2,137,058, G>A on the plus strand (C>T on the coding strand, the complement: AP3D1 is on the minus strand). VCF-style: chr19-2137058-G-A. GRCh37 (hg19) VCF-style: chr19-2137057-G-A.
Other names: c.307C>T, p.His103Tyr (NM_001374799.1, NM_003938.8); short protein forms H103Y.
Identifiers: ClinVar variation 1969635 (VCV001969635.5), dbSNP rs2019095795, ClinGen allele CA403230709.

ClinVar aggregate classification (germline): Uncertain significance (1 of 4 stars; one submission).

Allele frequency attached by ClinVar (database versions not stated): TOPMed below 0.00001.

Submission:

Labcorp Genetics (formerly Invitae), Labcorp
Classification: Uncertain significance. Last evaluated: 2023-12-18. Review status: criteria provided, single submitter. Criteria: Invitae Variant Classification Sherloc (09022015). Collection method: clinical testing. Allele origin: germline.
Comment: This sequence change replaces histidine, which is basic and polar, with tyrosine, which is neutral and polar, at codon 103 of the AP3D1 protein (p.His103Tyr). This variant is not present in population databases (gnomAD no frequency). This variant has not been reported in the literature in individuals affected with AP3D1-related conditions. ClinVar contains an entry for this variant (Variation ID: 1969635). An algorithm developed to predict the effect of missense changes on protein structure and function (PolyPhen-2) suggests that this variant is likely to be tolerated. In summary, the available evidence is currently insufficient to determine the role of this variant in disease. Therefore, it has been classified as a Variant of Uncertain Significance.